The following is an entry in ClinVar:

NM_001276270.2(MBD4):c.1544-4T>C

Gene: MBD4 (methyl-CpG binding domain 4, DNA glycosylase; minus strand). Cytogenetic location: 3q21.3.
Variant type: single nucleotide variant.
Coding change: c.1544-4T>C on transcript NM_001276270.2 (MANE Select); 4 bases into the intron before coding-DNA position 1544, T replaced by C.
Molecular consequence: intron variant.
Genome position (GRCh38, 1-based): chr3:129,432,610, A>G on the plus strand (T>C on the coding strand, the complement: MBD4 is on the minus strand). VCF-style: chr3-129432610-A-G. GRCh37 (hg19) VCF-style: chr3-129151453-A-G.
Other names: c.608-4T>C (NM_001276273.2); c.1562-4T>C (NM_001276272.2, NM_003925.3, NM_001276271.2).
Identifiers: ClinVar variation 4875986 (VCV004875986.1).

ClinVar aggregate classification (germline): Likely benign (1 of 4 stars; one submission).

Conditions:
Tumor predisposition syndrome 2 (TPDS2). Also called: MBD4-ASSOCIATED NEOPLASIA SYNDROME; MBD4-Related Tumor Predisposition Syndrome; MBD4-associated neoplasia syndrome (MANS). Identifiers: Orphanet 661526, MedGen C5774186, MONDO:0859267, OMIM 619975.

Submission:

Myriad Genetics, Inc.
Classification: Likely benign for Tumor predisposition syndrome 2. Last evaluated: 2026-06-09. Review status: criteria provided, single submitter. Criteria: Myriad Autosomal Dominant, Autosomal Recessive and X-Linked Classification Criteria (2023). Collection method: clinical testing. Allele origin: unknown.
Comment: This variant is considered likely benign. This variant is intronic and is not expected to impact mRNA splicing.